The following is an entry in ClinVar:

NC_000019.9:g.(?_54631428)_(54631772_?)dup

Gene: PRPF31 (pre-mRNA processing factor 31; plus strand). Cytogenetic location: 19q13.42.
Variant type: Duplication.
Identifiers: ClinVar variation 2426199 (VCV002426199.5).

ClinVar aggregate classification (germline): Uncertain significance (1 of 4 stars; one submission).

Submission:

Labcorp Genetics (formerly Invitae), Labcorp
Classification: Uncertain significance. Last evaluated: 2022-04-15. Review status: criteria provided, single submitter. Criteria: Invitae Variant Classification Sherloc (09022015). Collection method: clinical testing. Allele origin: germline.
Comment: Experimental studies and prediction algorithms are not available or were not evaluated, and the functional significance of this variant is currently unknown. In summary, the available evidence is currently insufficient to determine the role of this variant in disease. Therefore, it has been classified as a Variant of Uncertain Significance. This variant has not been reported in the literature in individuals affected with PRPF31-related conditions. This variant results in a copy number gain of the genomic region encompassing exon(s) 10 and 11 of the PRPF31 gene. While the exact position of this variant cannot be determined from the data, sub-genic copy number gains are generally in tandem (PMID: 25640679). This variant is predicted to be in-frame, and likely preserves the integrity of the reading frame.

Literature cited by the submitters: PubMed 25640679.